The following is an entry in ClinVar:

NM_007294.4(BRCA1):c.5406+5G>C

Gene: BRCA1 (BRCA1 DNA repair associated; minus strand). Cytogenetic location: 17q21.31.
Variant type: single nucleotide variant.
Coding change: c.5406+5G>C on transcript NM_007294.4 (MANE Select); 5 bases into the intron after coding-DNA position 5406, G replaced by C.
Molecular consequence: intron variant.
Genome position (GRCh38, 1-based): chr17:43,049,116, C>G on the plus strand (G>C on the coding strand, the complement: BRCA1 is on the minus strand). VCF-style: chr17-43049116-C-G. GRCh37 (hg19) VCF-style: chr17-41201133-C-G.
Other names: c.5403+5G>C (NM_001407617.1, NM_001407622.1, NM_001407611.1 and 14 more transcripts); c.5328+5G>C (NM_001407652.1, NM_001407653.1, NM_001407655.1 and 1 more transcripts); c.5333-1413G>C (NM_001407854.1); c.5406+5G>C (NM_001407598.1, NM_001407596.1, NM_001407602.1 and 5 more transcripts); c.1881+5G>C (NM_001408492.1, NM_001408493.1); c.1950+5G>C (NM_001408468.1, NM_001408470.1, NM_001408469.1); c.5259+5G>C (NM_001407842.1, NM_001407846.1, NM_001407850.1 and 12 more transcripts); c.5262+5G>C (NM_001407749.1, NM_001407748.1, NM_001407752.1 and 18 more transcripts); and 84 more.
Identifiers: ClinVar variation 55565 (VCV000055565.23), dbSNP rs80358073, ClinGen allele CA003560.
Genomic context (GRCh38, chr17:43,049,116, plus strand): 5'-TGCCAGTCTTGCTCACAGGAGAGAATATTGTGTCCTCCCTCTCTGACAGGGCACCCAATA[C>G]TTACTGTGCCAAGGGTGAATGATGAAAGCTCCTTCACCACAGAAGCACCACACAGCTGTA-3'

ClinVar aggregate classification (germline): Pathogenic/Likely pathogenic. Review status: criteria provided, multiple submitters, no conflicts (2 of 4 stars). 4 submissions from 4 submitters: Pathogenic (2); Likely pathogenic (2). Last evaluated 2025-10-21.

Conditions:
Hereditary cancer-predisposing syndrome. Also called: Hereditary Cancer Syndrome; Hereditary neoplastic syndrome; Neoplastic Syndromes, Hereditary; Tumor predisposition. Identifiers: Orphanet 140162, MedGen C0027672, MeSH D009386, MONDO:0015356.
Hereditary breast ovarian cancer syndrome. Also called: BRCA1- and BRCA2-Associated Hereditary Breast and Ovarian Cancer; Hereditary breast and ovarian cancer syndrome; Hereditary breast and ovarian cancer syndrome (HBOC); Breast and ovarian cancer; Hereditary breast and/or ovarian cancer syndrome; Hereditary breast and ovarian cancer. Identifiers: Orphanet 145, MedGen C0677776, MeSH D061325, MONDO:0003582. Disease mechanism: loss of function.
Breast-ovarian cancer, familial, susceptibility to, 1 (BROVCA1). Also called: BRCA1 Hereditary Breast and Ovarian Cancer; OVARIAN CANCER, SUSCEPTIBILITY TO. Identifiers: Orphanet 145, MedGen C2676676, MONDO:0011450, OMIM 604370. Disease mechanism: loss of function.

Submissions (5):

Ambry Genetics
Classification: Pathogenic for Hereditary cancer-predisposing syndrome. Last evaluated: 2025-10-21. Review status: criteria provided, single submitter. Criteria: Ambry Variant Classification Scheme 2023. Collection method: clinical testing. Allele origin: germline.
Comment: The c.5406+5G>C intronic alteration results from a G to C substitution 5 nucleotides after coding exon 20 in the BRCA1 gene This variant was not reported in population-based cohorts in the Genome Aggregation Database (gnomAD). This intronic variant has been reported in two unrelated individuals with triple negative breast cancer at ages 38 and 31 (Fostira, 2012). This variant has also been reported in 1 of 473 breast/ovarian cancer patients with a positive family history from a Greek cohort (Konstantopoulou, 2014). Of note, this alteration is also designated as IVS22+5G>C in published literature. A similar intronic alteration, c.5406+5G>A, has also been shown to lead to coding exon 20 skipping (Petrij-Bosch, 1997). This nucleotide position is highly conserved in available vertebrate species. This alteration was shown to result in coding exon 20 skipping (Ambry internal data; Houdayer, 2012). In silico splice site analysis predicts that this alteration will weaken the native splice donor site. Based on the available evidence, this alteration is classified as pathogenic.

Labcorp Genetics (formerly Invitae), Labcorp
Classification: Likely pathogenic for Hereditary breast ovarian cancer syndrome. Last evaluated: 2021-03-21. Review status: criteria provided, single submitter. Criteria: Invitae Variant Classification Sherloc (09022015). Collection method: clinical testing. Allele origin: germline.
Comment: This sequence change falls in intron 21 of the BRCA1 gene. It does not directly change the encoded amino acid sequence of the BRCA1 protein. RNA analysis indicates that this variant induces altered splicing and may result in an absent or disrupted protein product. In summary, the currently available evidence indicates that the variant is pathogenic, but additional data are needed to prove that conclusively. Therefore, this variant has been classified as Likely Pathogenic. This variant disrupts the c.5406+5 nucleotide in the BRCA1 gene. Other variant(s) that disrupt this nucleotide have been determined to be pathogenic (PMID: 12491487, 26681312, 26083025, 14985394, 9354803, 10090482). This suggests that this nucleotide is clinically significant, and that variants that disrupt this position are likely to be disease-causing. Nucleotide substitutions within the consensus splice site are a relatively common cause of aberrant splicing (PMID: 17576681, 9536098). Studies have shown that this variant is associated with exon 22 skipping, which introduces a premature termination codon (PMID: 22505045). The resulting mRNA is expected to undergo nonsense-mediated decay. Experimental studies are conflicting or provide insufficient evidence to determine the effect of this variant on BRCA1 protein function (PMID: 30209399). This variant has been observed in individual(s) with breast cancer (PMID: 22434525, 24010542). This variant is also known as IVS22+5G>C in the literature. ClinVar contains an entry for this variant (Variation ID: 55565). This variant is not present in population databases (ExAC no frequency).

Quest Diagnostics Nichols Institute San Juan Capistrano
Classification: Likely pathogenic. Last evaluated: 2018-11-06. Review status: criteria provided, single submitter. Criteria: Quest Diagnostics criteria. Collection method: clinical testing. Allele origin: germline.
Comment: Not found in the total gnomAD dataset, and the data are high quality (0/282728 chr). Found in at least one symptomatic patient. Predicted to negatively affect a known splice site and shown to result in the skipping of exon 22. Nucleotide conservation is uninformative.

Consortium of Investigators of Modifiers of BRCA1/2 (CIMBA), c/o University of Cambridge
Classification: Pathogenic for Breast-ovarian cancer, familial, susceptibility to, 1. Last evaluated: 2015-10-02. Review status: criteria provided, single submitter. Criteria: CIMBA Mutation Classification guidelines May 2016. Collection method: clinical testing. Allele origin: germline.

Brotman Baty Institute, University of Washington
No classification provided (evidence only). Condition: Breast-ovarian cancer, familial 1. Review status: no classification provided. Collection method: in vitro. Allele origin: not applicable. Functional consequence: function_uncertain_variant. Not counted in ClinVar's aggregate classification.
ClinVar note: "not provided" was previously submitted as the classification for the variant. However, the classification appeared to be based only on an observation of functional data so it was converted to no classification on 2025-07-30.

Literature cited by the submitters: PubMed 9354803 (cited by Ambry Genetics and Labcorp Genetics (formerly Invitae), Labcorp); PubMed 22434525 (cited by 3 submitters); PubMed 22505045 (cited by 3 submitters); PubMed 24010542 (cited by Ambry Genetics and Labcorp Genetics (formerly Invitae), Labcorp); PubMed 12491487 (cited by Labcorp Genetics (formerly Invitae), Labcorp); PubMed 26681312 (cited by Labcorp Genetics (formerly Invitae), Labcorp); PubMed 26083025 (cited by Labcorp Genetics (formerly Invitae), Labcorp); PubMed 14985394 (cited by Labcorp Genetics (formerly Invitae), Labcorp); PubMed 10090482 (cited by Labcorp Genetics (formerly Invitae), Labcorp); PubMed 17576681 (cited by Labcorp Genetics (formerly Invitae), Labcorp); PubMed 9536098 (cited by Labcorp Genetics (formerly Invitae), Labcorp); PubMed 30209399 (cited by Labcorp Genetics (formerly Invitae), Labcorp); PubMed 29446198 (cited by Quest Diagnostics Nichols Institute San Juan Capistrano).